The following is an entry in ClinVar:

NM_001033855.3(DCLRE1C):c.1444G>T (p.Ala482Ser)

Gene: DCLRE1C (DNA cross-link repair 1C; minus strand). Cytogenetic location: 10p13.
Variant type: single nucleotide variant.
Coding change: c.1444G>T on transcript NM_001033855.3 (MANE Select); coding-DNA position 1444, G replaced by T.
Protein change: p.Ala482Ser; replaces alanine 482 with serine.
Molecular consequence: missense variant. On other transcripts: non-coding transcript variant (4).
Genome position (GRCh38, 1-based): chr10:14,909,043, C>A on the plus strand (G>T on the coding strand, the complement: DCLRE1C is on the minus strand). VCF-style: chr10-14909043-C-A. GRCh37 (hg19) VCF-style: chr10-14951042-C-A.
Other names: c.1084G>T, p.Ala362Ser (NM_001033857.3, NM_001033858.3, NM_001289077.2 and 2 more transcripts); c.1099G>T, p.Ala367Ser (NM_001289076.2, NM_001289078.2, NM_001350966.2 and 1 more transcripts); c.1444G>T, p.Ala482Ser (NM_001350965.2); short protein forms A362S, A482S, A367S.
Identifiers: ClinVar variation 2129917 (VCV002129917.4), dbSNP rs2491631542, ClinGen allele CA376075582.

ClinVar aggregate classification (germline): Uncertain significance (1 of 4 stars; one submission).

Conditions:
Severe combined immunodeficiency due to DCLRE1C deficiency (RS-SCID). Also called: SCID, AUTOSOMAL RECESSIVE, T CELL-NEGATIVE, B CELL-NEGATIVE, NK CELL-POSITIVE, WITH SENSITIVITY TO IONIZING RADIATION. Identifiers: Orphanet 275, MedGen C1865371, MONDO:0011225, OMIM 602450.

Submission:

Labcorp Genetics (formerly Invitae), Labcorp
Classification: Uncertain significance for Athabaskan severe combined immunodeficiency. Last evaluated: 2022-09-27. Review status: criteria provided, single submitter. Criteria: Invitae Variant Classification Sherloc (09022015). Collection method: clinical testing. Allele origin: germline.
Comment: This sequence change replaces alanine, which is neutral and non-polar, with serine, which is neutral and polar, at codon 482 of the DCLRE1C protein (p.Ala482Ser). This variant is not present in population databases (gnomAD no frequency). This variant has not been reported in the literature in individuals affected with DCLRE1C-related conditions. Algorithms developed to predict the effect of missense changes on protein structure and function output the following: SIFT: "Tolerated"; PolyPhen-2: "Benign"; Align-GVGD: "Class C0". The serine amino acid residue is found in multiple mammalian species, which suggests that this missense change does not adversely affect protein function. In summary, the available evidence is currently insufficient to determine the role of this variant in disease. Therefore, it has been classified as a Variant of Uncertain Significance.